The following is an entry in ClinVar:

ClinVar aggregate classification (germline): Conflicting classifications of pathogenicity. Review status: criteria provided, conflicting classifications (1 of 4 stars). 4 submissions from 4 submitters: Uncertain significance (2); Benign (1); Likely benign (1). Last evaluated 2026-05-28.

Conditions:
DCTN1-related disorder. Also called: DCTN1-related condition.
Inborn genetic diseases. Identifiers: MedGen C0950123, MeSH D030342.
Neuronopathy, distal hereditary motor, type 7B. Also called: HMN VIIB; LOWER MOTOR NEURON DISEASE, DYNACTIN TYPE; NEURONOPATHY, DISTAL HEREDITARY MOTOR, AUTOSOMAL DOMINANT 14; NEURONOPATHY, DISTAL HEREDITARY MOTOR, HARDING TYPE VIIB; NEUROPATHY, DISTAL HEREDITARY MOTOR, HARDING TYPE VIIB; NEUROPATHY, DISTAL HEREDITARY MOTOR, WITH VOCAL CORD PARALYSIS, HARDING TYPE VIIB. Identifiers: Orphanet 139589, MedGen C1843315, MONDO:0011879, OMIM 607641.
Perry syndrome. Also called: PARKINSONISM WITH ALVEOLAR HYPOVENTILATION AND MENTAL DEPRESSION. Identifiers: Orphanet 178509, MedGen C1868594, MONDO:0008201, OMIM 168605.
Amyotrophic lateral sclerosis type 1 (ALS1). Also called: AMYOTROPHIC LATERAL SCLEROSIS 1, FAMILIAL. Identifiers: Orphanet 803, MedGen C1862939, MONDO:0007103, OMIM 105400.

Allele frequency attached by ClinVar (database versions not stated): TOPMed 0.00003; ExAC 0.00007; gnomAD 0.00009 and 0.00010; gnomAD exomes 0.00009 and 0.00010.
gnomAD v4.1: 138 of 1,607,444 alleles (0.0086%); highest among the groups gnomAD compares: Non-Finnish European, 0.011%; no homozygotes.

Submissions (4):

PreventionGenetics, part of Exact Sciences
Classification: Uncertain significance for DCTN1-related condition. Last evaluated: 2026-05-28. Review status: criteria provided, single submitter. Criteria: ACMG Guidelines, 2015. Collection method: clinical testing. Allele origin: germline.
Comment: The DCTN1 c.40A>G variant is predicted to result in the amino acid substitution p.Ser14Gly. To our knowledge, this variant has not been reported in the literature. This variant is reported in 0.020% of alleles in individuals of European (non-Finnish) descent in gnomAD. At this time, the clinical significance of this variant is uncertain due to the absence of conclusive functional and genetic evidence.

Labcorp Genetics (formerly Invitae), Labcorp
Classification: Uncertain significance for Amyotrophic lateral sclerosis type 1; Neuronopathy, distal hereditary motor, type 7B; Perry syndrome. Last evaluated: 2026-01-25. Review status: criteria provided, single submitter. Criteria: Invitae Variant Classification Sherloc (09022015). Collection method: clinical testing. Allele origin: germline.
Comment: This sequence change replaces serine, which is neutral and polar, with glycine, which is neutral and non-polar, at codon 14 of the DCTN1 protein (p.Ser14Gly). This variant is present in population databases (rs758320436, gnomAD 0.02%). This variant has not been reported in the literature in individuals affected with DCTN1-related conditions. ClinVar contains an entry for this variant (Variation ID: 447237). Invitae Evidence Modeling of protein sequence and biophysical properties (such as structural, functional, and spatial information, amino acid conservation, physicochemical variation, residue mobility, and thermodynamic stability) indicates that this missense variant is not expected to disrupt DCTN1 protein function with a negative predictive value of 95%. In summary, the available evidence is currently insufficient to determine the role of this variant in disease. Therefore, it has been classified as a Variant of Uncertain Significance.

Ambry Genetics
Classification: Likely benign for Inborn genetic diseases. Last evaluated: 2023-10-31. Review status: criteria provided, single submitter. Criteria: Ambry Variant Classification Scheme 2023. Collection method: clinical testing. Allele origin: germline.

Athena Diagnostics
Classification: Benign. Last evaluated: 2022-04-07. Review status: criteria provided, single submitter. Criteria: Athena Diagnostics Criteria. Collection method: clinical testing. Allele origin: unknown.

NM_004082.5(DCTN1):c.40A>G (p.Ser14Gly)

Gene: DCTN1 (dynactin subunit 1; minus strand). Cytogenetic location: 2p13.1.
Variant type: single nucleotide variant.
Coding change: c.40A>G on transcript NM_004082.5 (MANE Select); coding-DNA position 40, A replaced by G.
Protein change: p.Ser14Gly; replaces serine 14 with glycine.
Molecular consequence: missense variant. On other transcripts: 5 prime UTR variant (3), non-coding transcript variant (1).
Genome position (GRCh38, 1-based): chr2:74,378,239, T>C on the plus strand (A>G on the coding strand, the complement: DCTN1 is on the minus strand). VCF-style: chr2-74378239-T-C. GRCh37 (hg19) VCF-style: chr2-74605366-T-C.
Other names: c.40A>G, p.Ser14Gly (NM_001135040.3, NM_001190837.2); c.-12A>G (NM_001190836.2, NM_001378991.1, NM_001378992.1); short protein forms S14G.
Identifiers: ClinVar variation 447237 (VCV000447237.16), dbSNP rs758320436, ClinGen allele CA1722618.